The following is an entry in ClinVar:

ClinVar aggregate classification (germline): Uncertain significance. Review status: criteria provided, multiple submitters, no conflicts (2 of 4 stars). 2 submissions from 2 submitters: Uncertain significance (2). Last evaluated 2025-04-10.

Conditions:
Familial melanoma. Also called: Hereditary melanoma; Hereditary cutaneous melanoma. Identifiers: Orphanet 618, MedGen C1512419, MONDO:0018961.
Hereditary cancer-predisposing syndrome. Also called: Hereditary Cancer Syndrome; Tumor predisposition; Hereditary neoplastic syndrome; Neoplastic Syndromes, Hereditary. Identifiers: Orphanet 140162, MedGen C0027672, MeSH D009386, MONDO:0015356.

gnomAD v4.1: 9 of 1,614,106 alleles (0.00056%); highest among the groups gnomAD compares: Admixed American, 0.0017%; no homozygotes.

Submissions (2):

Labcorp Genetics (formerly Invitae), Labcorp
Classification: Uncertain significance for Familial melanoma. Last evaluated: 2025-04-10. Review status: criteria provided, single submitter. Criteria: Invitae Variant Classification Sherloc (09022015). Collection method: clinical testing. Allele origin: germline.
Comment: This sequence change replaces proline, which is neutral and non-polar, with leucine, which is neutral and non-polar, at codon 251 of the CDK4 protein (p.Pro251Leu). This variant is not present in population databases (gnomAD no frequency). This variant has not been reported in the literature in individuals affected with CDK4-related conditions. ClinVar contains an entry for this variant (Variation ID: 1056495). Invitae Evidence Modeling of protein sequence and biophysical properties (such as structural, functional, and spatial information, amino acid conservation, physicochemical variation, residue mobility, and thermodynamic stability) indicates that this missense variant is not expected to disrupt CDK4 protein function with a negative predictive value of 95%. In summary, the available evidence is currently insufficient to determine the role of this variant in disease. Therefore, it has been classified as a Variant of Uncertain Significance.

Ambry Genetics
Classification: Uncertain significance for Hereditary cancer-predisposing syndrome. Last evaluated: 2023-09-12. Review status: criteria provided, single submitter. Criteria: Ambry Variant Classification Scheme 2023. Collection method: clinical testing. Allele origin: germline.
Comment: The p.P251L variant (also known as c.752C>T), located in coding exon 6 of the CDK4 gene, results from a C to T substitution at nucleotide position 752. The proline at codon 251 is replaced by leucine, an amino acid with similar properties. This amino acid position is well conserved in available vertebrate species. In addition, this alteration is predicted to be tolerated by in silico analysis. Since supporting evidence is limited at this time, the clinical significance of this alteration remains unclear.

NM_000075.4(CDK4):c.752C>T (p.Pro251Leu)

Genes: CDK4 (cyclin dependent kinase 4; minus strand), TSPAN31 (tetraspanin 31; plus strand). Cytogenetic location: 12q14.1.
Variant type: single nucleotide variant.
Coding change: c.752C>T on transcript NM_000075.4 (MANE Select); coding-DNA position 752, C replaced by T.
Protein change: p.Pro251Leu; replaces proline 251 with leucine.
Molecular consequence: missense variant. On other transcripts: 3 prime UTR variant (3).
Genome position (GRCh38, 1-based): chr12:57,749,249, G>A on the plus strand (C>T on the coding strand, the complement: CDK4 is on the minus strand). VCF-style: chr12-57749249-G-A. GRCh37 (hg19) VCF-style: chr12-58143032-G-A.
Other names: c.*1959G>A (NM_001330168.2, NM_001330169.2, NM_005981.5); short protein forms P251L.
Identifiers: ClinVar variation 1056495 (VCV001056495.8), dbSNP rs143670820, ClinGen allele CA385543332.
Genomic context (GRCh38, chr12:57,749,249, plus strand): 5'-AGCTGTGCTCCCGACTCCTCCATCTCAGGTACCACCGACTGCACTGGGCGGGGCCCTCTG[G>A]GGGGAAAGGCTCCACGGGGCAGGGATACATCTCGAGGCCAGTCATCCTCTGGAGGCAGCC-3'
Protein context (NP_000066.1, residues 241-261): DVSLPRGAFP[Pro251Leu]RGPRPVQSVV